The following is an entry in ClinVar:

NM_005612.5(REST):c.3003G>A (p.Glu1001=)

Gene: REST (RE1 silencing transcription factor; plus strand). Cytogenetic location: 4q12.
Variant type: single nucleotide variant.
Coding change: c.3003G>A on transcript NM_005612.5 (MANE Select); coding-DNA position 3003, G replaced by A.
Protein change: p.Glu1001=; no amino-acid change (glutamic acid 1001 retained).
Molecular consequence: synonymous variant.
Genome position (GRCh38, 1-based): chr4:56,931,861, G>A. VCF-style: chr4-56931861-G-A. GRCh37 (hg19) VCF-style: chr4-57798027-G-A.
Other names: c.3003G>A, p.Glu1001= (NM_001193508.2, NM_001363453.3).
Identifiers: ClinVar variation 724628 (VCV000724628.9), dbSNP rs760572236, ClinGen allele CA2932600.

ClinVar aggregate classification (germline): Likely benign. Review status: criteria provided, single submitter (1 of 4 stars). 2 submissions from 2 submitters: Likely benign (1). 1 of the submissions does not count toward it. Last evaluated 2025-06-03.

Conditions:
REST-related disorder. Also called: REST-related condition.

Allele frequency attached by ClinVar (database versions not stated): ExAC 0.00009; gnomAD exomes 0.00009 and 0.00005; gnomAD 0.00003; TOPMed 0.00004.
gnomAD v4.1: 31 of 1,614,092 alleles (0.0019%); highest among the groups gnomAD compares: Admixed American, 0.05%; 1 homozygote.

Submissions (2):

Labcorp Genetics (formerly Invitae), Labcorp
Classification: Likely benign. Last evaluated: 2025-06-03. Review status: criteria provided, single submitter. Criteria: Invitae Variant Classification Sherloc (09022015). Collection method: clinical testing. Allele origin: germline.

PreventionGenetics, part of Exact Sciences
Classification: Likely benign for REST-related condition. Last evaluated: 2024-04-04. Review status: no assertion criteria provided. Collection method: clinical testing. Allele origin: germline. Not counted in ClinVar's aggregate classification.
Comment: This variant is classified as likely benign based on ACMG/AMP sequence variant interpretation guidelines (Richards et al. 2015 PMID: 25741868, with internal and published modifications).